The following is an entry in ClinVar:

NM_203446.3(SYNJ1):c.*173C>T

Gene: SYNJ1 (synaptojanin 1; minus strand). Cytogenetic location: 21q22.11.
Variant type: single nucleotide variant.
Coding change: c.*173C>T on transcript NM_203446.3 (MANE Select); 173 bases downstream of the stop codon, C replaced by T.
Molecular consequence: 3 prime UTR variant. On other transcripts: missense variant (2).
Genome position (GRCh38, 1-based): chr21:32,631,632, G>A on the plus strand (C>T on the coding strand, the complement: SYNJ1 is on the minus strand). VCF-style: chr21-32631632-G-A. GRCh37 (hg19) VCF-style: chr21-34003942-G-A.
Other names: c.*173C>T (NM_001160302.2); c.3944C>T, p.Thr1315Met (NM_001160306.2); c.4202C>T, p.Thr1401Met (NM_003895.4); short protein forms T1401M, T1315M.
Identifiers: ClinVar variation 478353 (VCV000478353.24), dbSNP rs1341548536, ClinGen allele CA410082740.

ClinVar aggregate classification (germline): Uncertain significance. Review status: criteria provided, multiple submitters, no conflicts (2 of 4 stars). 4 submissions from 4 submitters: Uncertain significance (4). Last evaluated 2024-09-01.

Conditions:
Inborn genetic diseases. Identifiers: MedGen C0950123, MeSH D030342.
Developmental and epileptic encephalopathy, 53. Also called: Epileptic encephalopathy, early infantile, 53. Identifiers: MedGen C4479313, MONDO:0033362, OMIM 617389.
Early-onset Parkinson disease 20. Also called: PARKINSON DISEASE 20, AUTOSOMAL RECESSIVE EARLY-ONSET. Identifiers: Orphanet 391411, MedGen C3809824, MONDO:0014233, OMIM 615530.

Allele frequency attached by ClinVar (database versions not stated): TOPMed 0.00003.
gnomAD v4.1: 24 of 1,612,532 alleles (0.0015%); highest among the groups gnomAD compares: African/African-American, 0.012%; no homozygotes.

Submissions (4):

CeGaT Center for Human Genetics Tuebingen
Classification: Uncertain significance. Last evaluated: 2024-09-01. Review status: criteria provided, single submitter. Criteria: CeGaT Center For Human Genetics Tuebingen Variant Classification Criteria Version 2. Collection method: clinical testing. Allele origin: germline. Affected: yes. Observed: 1 variant allele.
Comment: SYNJ1: PM2

Labcorp Genetics (formerly Invitae), Labcorp
Classification: Uncertain significance for Developmental and epileptic encephalopathy, 53; Early-onset Parkinson disease 20. Last evaluated: 2023-08-17. Review status: criteria provided, single submitter. Criteria: Invitae Variant Classification Sherloc (09022015). Collection method: clinical testing. Allele origin: germline.
Comment: This sequence change replaces threonine, which is neutral and polar, with methionine, which is neutral and non-polar, at codon 1401 of the SYNJ1 protein (p.Thr1401Met). This variant is present in population databases (no rsID available, gnomAD 0.006%). In summary, the available evidence is currently insufficient to determine the role of this variant in disease. Therefore, it has been classified as a Variant of Uncertain Significance. An algorithm developed to predict the effect of missense changes on protein structure and function (PolyPhen-2) suggests that this variant¬†is likely to be tolerated. ClinVar contains an entry for this variant (Variation ID: 478353). This variant has not been reported in the literature in individuals affected with SYNJ1-related conditions.

Blueprint Genetics
Classification: Uncertain significance. Last evaluated: 2023-07-26. Review status: criteria provided, single submitter. Criteria: ACMG Guidelines, 2015. Collection method: clinical testing. Allele origin: germline.

Ambry Genetics
Classification: Uncertain significance for Inborn genetic diseases. Last evaluated: 2021-08-09. Review status: criteria provided, single submitter. Criteria: Ambry Variant Classification Scheme 2023. Collection method: clinical testing. Allele origin: germline.